The following is an entry in ClinVar:

ClinVar aggregate classification (germline): Likely benign. Review status: criteria provided, multiple submitters, no conflicts (2 of 4 stars). 3 submissions from 3 submitters: Likely benign (3). Last evaluated 2026-09-01.

Allele frequency attached by ClinVar (database versions not stated): 1000 Genomes Project 30x 0.00031; 1000 Genomes Project 0.00040; gnomAD exomes 0.00339; ExAC 0.00354; gnomAD 0.00357 and 0.00364; TOPMed 0.00371; ESP Exome Variant Server 0.00416.
gnomAD v4.1: 7,944 of 1,614,038 alleles (0.49%); highest among the groups gnomAD compares: Non-Finnish European, 0.6%; 27 homozygotes.

Submissions (3):

CeGaT Center for Human Genetics Tuebingen
Classification: Likely benign. Last evaluated: 2026-09-01. Review status: criteria provided, single submitter. Criteria: CeGaT Center For Human Genetics Tuebingen Variant Classification Criteria Version 2. Collection method: clinical testing. Allele origin: germline. Affected: yes. Observed: 11 variant alleles.
Comment: SRRM2: BP4, BS2

Blueprint Genetics
Classification: Likely benign. Last evaluated: 2024-11-27. Review status: criteria provided, single submitter. Criteria: ACMG Guidelines, 2015. Collection method: clinical testing. Allele origin: germline.

Labcorp Genetics (formerly Invitae), Labcorp
Classification: Likely benign. Last evaluated: 2019-12-31. Review status: criteria provided, single submitter. Criteria: Invitae Variant Classification Sherloc (09022015). Collection method: clinical testing. Allele origin: germline.

NM_016333.4(SRRM2):c.7537A>G (p.Thr2513Ala)

Gene: SRRM2 (serine/arginine repetitive matrix 2; plus strand). Cytogenetic location: 16p13.3.
Variant type: single nucleotide variant.
Coding change: c.7537A>G on transcript NM_016333.4 (MANE Select); coding-DNA position 7537, A replaced by G.
Protein change: p.Thr2513Ala; replaces threonine 2513 with alanine.
Molecular consequence: missense variant.
Genome position (GRCh38, 1-based): chr16:2,768,065, A>G. VCF-style: chr16-2768065-A-G. GRCh37 (hg19) VCF-style: chr16-2818066-A-G.
Other names: short protein forms T2513A.
Identifiers: ClinVar variation 713626 (VCV000713626.18), dbSNP rs144257955, ClinGen allele CA7849089.
Genomic context (GRCh38, chr16:2,768,065, plus strand): 5'-ATGCTCTCTGTCCCTGCCCCTGGGGTGCCCCACTCTGATGTGGGGGAGCCACCTGCCTCT[A>G]CTGGGGCCCAGCAGCCTTCTGCATTAGCCGCCCTGCAGCCAGCAAAGGAGCGGCGGAGTT-3'
Protein context (NP_057417.3, residues 2503-2523): HSDVGEPPAS[Thr2513Ala]GAQQPSALAA